The following is an entry in ClinVar:

ClinVar aggregate classification (germline): Uncertain significance. Review status: criteria provided, multiple submitters, no conflicts (2 of 4 stars). 2 submissions from 2 submitters: Uncertain significance (2). Last evaluated 2025-01-24.

Conditions:
Hereditary pancreatitis (PCTT). Also called: PRSS1-Related Hereditary Pancreatitis; Hereditary chronic pancreatitis. Identifiers: Orphanet 676, MedGen C0238339, MONDO:0008185, OMIM 167800.

gnomAD v4.1: 15 of 1,614,122 alleles (0.00093%); highest among the groups gnomAD compares: South Asian, 0.0033%; no homozygotes.

Submissions (2):

Ambry Genetics
Classification: Uncertain significance for Hereditary pancreatitis. Last evaluated: 2025-01-24. Review status: criteria provided, single submitter. Criteria: Ambry Variant Classification Scheme 2023. Collection method: clinical testing. Allele origin: germline.
Comment: The p.K278N variant (also known as c.834G>C), located in coding exon 8 of the CPA1 gene, results from a G to C substitution at nucleotide position 834. The lysine at codon 278 is replaced by asparagine, an amino acid with similar properties. This amino acid position is not well conserved in available vertebrate species. In addition, this alteration is predicted to be tolerated by in silico analysis. Since supporting evidence is limited at this time, the clinical significance of this alteration remains unclear.

Labcorp Genetics (formerly Invitae), Labcorp
Classification: Uncertain significance. Last evaluated: 2023-05-22. Review status: criteria provided, single submitter. Criteria: Invitae Variant Classification Sherloc (09022015). Collection method: clinical testing. Allele origin: germline.
Comment: In summary, the available evidence is currently insufficient to determine the role of this variant in disease. Therefore, it has been classified as a Variant of Uncertain Significance. Advanced modeling of protein sequence and biophysical properties (such as structural, functional, and spatial information, amino acid conservation, physicochemical variation, residue mobility, and thermodynamic stability) performed at Invitae indicates that this missense variant is not expected to disrupt CPA1 protein function. ClinVar contains an entry for this variant (Variation ID: 1417345). This variant has not been reported in the literature in individuals affected with CPA1-related conditions. This variant is present in population databases (rs201936657, gnomAD 0.006%). This sequence change replaces lysine, which is basic and polar, with asparagine, which is neutral and polar, at codon 278 of the CPA1 protein (p.Lys278Asn).

NM_001868.4(CPA1):c.834G>C (p.Lys278Asn)

Gene: CPA1 (carboxypeptidase A1; plus strand). Cytogenetic location: 7q32.2.
Variant type: single nucleotide variant.
Coding change: c.834G>C on transcript NM_001868.4 (MANE Select); coding-DNA position 834, G replaced by C.
Protein change: p.Lys278Asn; replaces lysine 278 with asparagine.
Molecular consequence: missense variant.
Genome position (GRCh38, 1-based): chr7:130,385,192, G>C. VCF-style: chr7-130385192-G-C. GRCh37 (hg19) VCF-style: chr7-130025033-G-C.
Other names: short protein forms K278N.
Identifiers: ClinVar variation 1417345 (VCV001417345.11), dbSNP rs201936657, ClinGen allele CA4484974.